The following is an entry in ClinVar:

ClinVar aggregate classification (germline): Uncertain significance (1 of 4 stars; one submission).

Conditions:
Spinocerebellar ataxia, autosomal recessive, with axonal neuropathy 2 (SCAN2). Also called: Ataxia with Oculomotor Apraxia; Ataxia-ocular apraxia-2; ATAXIA-OCULOMOTOR APRAXIA 2; Ataxia with Oculomotor Apraxia Type 2. Identifiers: Orphanet 64753, MedGen C1853761, MONDO:0018996, OMIM 606002.
Amyotrophic lateral sclerosis type 4 (ALS4). Also called: AMYOTROPHIC LATERAL SCLEROSIS 4, JUVENILE; NEURONOPATHY, DISTAL HEREDITARY MOTOR, WITH PYRAMIDAL FEATURES. Identifiers: Orphanet 357043, MedGen C1865409, MONDO:0011223, OMIM 602433.

Submission:

Labcorp Genetics (formerly Invitae), Labcorp
Classification: Uncertain significance for Amyotrophic lateral sclerosis type 4; Spinocerebellar ataxia, autosomal recessive, with axonal neuropathy 2. Last evaluated: 2019-02-03. Review status: criteria provided, single submitter. Criteria: Invitae Variant Classification Sherloc (09022015). Collection method: clinical testing. Allele origin: germline.
Comment: This variant has not been reported in the literature in individuals with SETX-related conditions. In summary, the available evidence is currently insufficient to determine the role of this variant in disease. Therefore, it has been classified as a Variant of Uncertain Significance. Algorithms developed to predict the effect of missense changes on protein structure and function are either unavailable or do not agree on the potential impact of this missense change (SIFT: "Tolerated"; PolyPhen-2: "Possibly Damaging"; Align-GVGD: "Class C0"). This variant is not present in population databases (ExAC no frequency). This sequence change replaces asparagine with tyrosine at codon 1182 of the SETX protein (p.Asn1182Tyr). The asparagine residue is weakly conserved and there is a large physicochemical difference between asparagine and tyrosine.

NM_015046.7(SETX):c.3544A>T (p.Asn1182Tyr)

Gene: SETX (senataxin; minus strand). Cytogenetic location: 9q34.13.
Variant type: single nucleotide variant.
Coding change: c.3544A>T on transcript NM_015046.7 (MANE Select); coding-DNA position 3544, A replaced by T.
Protein change: p.Asn1182Tyr; replaces asparagine 1182 with tyrosine.
Molecular consequence: missense variant.
Genome position (GRCh38, 1-based): chr9:132,328,054, T>A on the plus strand (A>T on the coding strand, the complement: SETX is on the minus strand). VCF-style: chr9-132328054-T-A. GRCh37 (hg19) VCF-style: chr9-135203441-T-A.
Other names: c.3544A>T, p.Asn1182Tyr (NM_001351527.2, NM_001351528.2); short protein forms N1182Y.
Identifiers: ClinVar variation 862092 (VCV000862092.10), dbSNP rs1846954116, ClinGen allele CA375330125.